The following is an entry in ClinVar:

ClinVar aggregate classification (germline): Uncertain significance (1 of 4 stars; one submission).

Conditions:
AP1G2-related disorder.

Submission:

3billion
Classification: Uncertain significance for AP1G2-related disorder. Last evaluated: 2025-11-28. Review status: criteria provided, single submitter. Criteria: ACMG Guidelines, 2015. Collection method: clinical testing. Allele origin: germline. Affected: yes.
Comment: The variant is not observed in the gnomAD v4.1.0 dataset. Predicted Consequence/Location: Missense variant In silico tools predict the variant to alter splicing and produce an abnormal transcript [SpliceAI: 0.63 (>=0.2, moderate evidence for spliceogenicity)]. Therefore, this variant is classified as VUS according to the recommendation of ACMG/AMP guideline.

NM_003917.5(AP1G2):c.568G>A (p.Gly190Ser)

Genes: AP1G2 (adaptor related protein complex 1 subunit gamma 2; minus strand), AP1G2-AS1 (AP1G2 antisense RNA 1; plus strand). Cytogenetic location: 14q11.2.
Variant type: single nucleotide variant.
Coding change: c.568G>A on transcript NM_003917.5 (MANE Select); coding-DNA position 568, G replaced by A.
Protein change: p.Gly190Ser; replaces glycine 190 with serine.
Molecular consequence: missense variant. On other transcripts: non-coding transcript variant (3), 5 prime UTR variant (5).
Genome position (GRCh38, 1-based): chr14:23,566,064, C>T on the plus strand (G>A on the coding strand, the complement: AP1G2 is on the minus strand). VCF-style: chr14-23566064-C-T. GRCh37 (hg19) VCF-style: chr14-24035273-C-T.
Other names: c.-809G>A (NM_001282474.2); c.181G>A, p.Gly61Ser (NM_001282475.2, NM_001354673.2); c.-638G>A (NM_001354674.2); c.-750G>A (NM_001354675.2); c.-688G>A (NM_001354677.2); c.-561G>A (NM_001354681.2); short protein forms G190S, G61S.
Identifiers: ClinVar variation 4853960 (VCV004853960.1).